The following is an entry in ClinVar:

GRCh37/hg19 15q11.2(chr15:22770421-23291159)x1

Genes: CYFIP1 (cytoplasmic FMR1 interacting protein 1; minus strand), NIPA1 (NIPA magnesium transporter 1; plus strand), NIPA2 (NIPA magnesium transporter 2; plus strand), TUBGCP5 (tubulin gamma complex component 5; minus strand). Cytogenetic location: 15q11.2.
Variant type: copy number loss.
Change: copy number 1 (one copy instead of two) of chr15:22,770,421-23,291,159 (520.7 kb, GRCh37 coordinates, 1-based), cytogenetic band 15q11.2.
Identifiers: ClinVar variation 979405 (VCV000979405.3).

ClinVar aggregate classification (germline): Pathogenic (1 of 4 stars; one submission).

Submission:

Quest Diagnostics Nichols Institute San Juan Capistrano
Classification: Pathogenic. Last evaluated: 2024-05-24. Review status: criteria provided, single submitter. Criteria: ACMG/ClinGen CNV Guidelines, 2019. Collection method: clinical testing. Allele origin: unknown.
Comment: This copy number loss is associated with the recurrent 15q11.2 (BP1-BP2) deletion syndrome (OMIM 615656). The 15q11.2 (including NIPA1 and NIPA2 locus) region has previously been reported in association with highly variable clinical phenotypes (Butler 2017, ENIGMA-CNV Working Group 2020, Jonch 2019, Kendall 2019, Stefansson 2014, Coe 2014) including a subclinical, but measurable effect on neurocognitive function. Currently, this copy number loss is best described as a susceptibility locus and is classified as pathogenic. References: Butler, J Intellect Disabil Res. 2017 Jun;61(6):568-579. PMID: 28387067; Coe et al., Nat Genet. 2014 Oct;46(10):1063-71., PMID: 25217958; ENIGMA-CNV Working Group, JAMA Psychiatry. 2020 Apr 1;77(4):420-430. PMID: 31665216; Jonch et al., J Med Genet. 2019 Oct;56(10):701-710. PMID: 31451536; Kendall et al., Br J Psychiatry. 2019 May;214(5):297-304. PMID: 30767844; Stefansson et al., Nature. 2014 Jan 16;505(7483):361-6. PMID: 24352232